The following is an entry in ClinVar:

ClinVar aggregate classification (germline): Uncertain significance (1 of 4 stars; one submission).

Conditions:
Chédiak-Higashi syndrome (CHS). Also called: Chediak-Higashi Syndrome. Identifiers: Orphanet 167, MedGen C0007965, MONDO:0008963, OMIM 214500.

Allele frequency attached by ClinVar (database versions not stated): ExAC 0.00001.

Submission:

Labcorp Genetics (formerly Invitae), Labcorp
Classification: Uncertain significance for Chédiak-Higashi syndrome. Last evaluated: 2022-04-03. Review status: criteria provided, single submitter. Criteria: Invitae Variant Classification Sherloc (09022015). Collection method: clinical testing. Allele origin: germline.
Comment: Algorithms developed to predict the effect of missense changes on protein structure and function (SIFT, PolyPhen-2, Align-GVGD) all suggest that this variant is likely to be tolerated. In summary, the available evidence is currently insufficient to determine the role of this variant in disease. Therefore, it has been classified as a Variant of Uncertain Significance. This variant has not been reported in the literature in individuals affected with LYST-related conditions. This variant is present in population databases (rs769627378, gnomAD 0.0009%). This sequence change replaces glutamic acid, which is acidic and polar, with lysine, which is basic and polar, at codon 2409 of the LYST protein (p.Glu2409Lys).

NM_000081.4(LYST):c.7225G>A (p.Glu2409Lys)

Gene: LYST (lysosomal trafficking regulator; minus strand). Cytogenetic location: 1q42.3.
Variant type: single nucleotide variant.
Coding change: c.7225G>A on transcript NM_000081.4 (MANE Select); coding-DNA position 7225, G replaced by A.
Protein change: p.Glu2409Lys; replaces glutamic acid 2409 with lysine.
Molecular consequence: missense variant.
Genome position (GRCh38, 1-based): chr1:235,755,482, C>T on the plus strand (G>A on the coding strand, the complement: LYST is on the minus strand). VCF-style: chr1-235755482-C-T. GRCh37 (hg19) VCF-style: chr1-235918782-C-T.
Other names: c.7225G>A, p.Glu2409Lys (NM_001301365.1); short protein forms E2409K.
Identifiers: ClinVar variation 2110012 (VCV002110012.4), dbSNP rs769627378, ClinGen allele CA1466201.